The following is an entry in ClinVar:

ClinVar aggregate classification (germline): Uncertain significance (1 of 4 stars; one submission).

Conditions:
Arrhythmogenic right ventricular dysplasia 10. Also called: Arrhythmogenic Right Ventricular Dysplasia/Cardiomyopathy10; ARRHYTHMOGENIC RIGHT VENTRICULAR DYSPLASIA, FAMILIAL, 10; Arrhythmogenic right ventricular dysplasia/cardiomyopathy, type 10. Identifiers: MedGen C1857777, MONDO:0012434, OMIM 610193.

Allele frequency attached by ClinVar (database versions not stated): gnomAD exomes below 0.00001; TOPMed below 0.00001.
gnomAD v4.1: 1 of 1,613,802 alleles (0.000062%); highest among the groups gnomAD compares: Non-Finnish European, 0.000085%; no homozygotes.

Submission:

Labcorp Genetics (formerly Invitae), Labcorp
Classification: Uncertain significance for Arrhythmogenic right ventricular dysplasia 10. Last evaluated: 2024-06-25. Review status: criteria provided, single submitter. Criteria: Invitae Variant Classification Sherloc (09022015). Collection method: clinical testing. Allele origin: germline.
Comment: This sequence change replaces serine, which is neutral and polar, with asparagine, which is neutral and polar, at codon 115 of the DSG2 protein (p.Ser115Asn). This variant is not present in population databases (gnomAD no frequency). This variant has not been reported in the literature in individuals affected with DSG2-related conditions. ClinVar contains an entry for this variant (Variation ID: 1037389). Advanced modeling of protein sequence and biophysical properties (such as structural, functional, and spatial information, amino acid conservation, physicochemical variation, residue mobility, and thermodynamic stability) performed at Invitae indicates that this missense variant is not expected to disrupt DSG2 protein function with a negative predictive value of 95%. In summary, the available evidence is currently insufficient to determine the role of this variant in disease. Therefore, it has been classified as a Variant of Uncertain Significance.

NM_001943.5(DSG2):c.344G>A (p.Ser115Asn)

Gene: DSG2 (desmoglein 2; plus strand). Cytogenetic location: 18q12.1.
Variant type: single nucleotide variant.
Coding change: c.344G>A on transcript NM_001943.5 (MANE Select); coding-DNA position 344, G replaced by A.
Protein change: p.Ser115Asn; replaces serine 115 with asparagine.
Molecular consequence: missense variant.
Genome position (GRCh38, 1-based): chr18:31,520,930, G>A. VCF-style: chr18-31520930-G-A. GRCh37 (hg19) VCF-style: chr18-29100893-G-A.
Other names: short protein forms S115N.
Identifiers: ClinVar variation 1037389 (VCV001037389.8), dbSNP rs2073124006, ClinGen allele CA402131616.
Genomic context (GRCh38, chr18:31,520,930, plus strand): 5'-CAGAGCCACCTTTTGGTATATTTGTCTTTAACAAAGATACTGGAGAACTGAATGTTACCA[G>A]CATTCTTGATCGAGAAGAAACACCATTTTTTCTGGTAAGAAGAATAATTTTAGATTTATT-3'
Protein context (NP_001934.2, residues 105-125): NKDTGELNVT[Ser115Asn]ILDREETPFF